The following is an entry in ClinVar:

NM_006440.5(TXNRD2):c.1573T>C (p.Ter525Gln)

Gene: TXNRD2 (thioredoxin reductase 2; minus strand). Cytogenetic location: 22q11.21.
Variant type: single nucleotide variant.
Coding change: c.1573T>C on transcript NM_006440.5 (MANE Select); coding-DNA position 1573, T replaced by C.
Protein change: p.Ter525Gln.
Molecular consequence: stop lost. On other transcripts: non-coding transcript variant (1).
Genome position (GRCh38, 1-based): chr22:19,877,107, A>G on the plus strand (T>C on the coding strand, the complement: TXNRD2 is on the minus strand). VCF-style: chr22-19877107-A-G. GRCh37 (hg19) VCF-style: chr22-19864630-A-G.
Other names: c.1570T>C, p.Ter524Gln (NM_001352300.2); c.1483T>C, p.Ter495Gln (NM_001352301.2); c.1285T>C, p.Ter429Gln (NM_001352302.2).
Identifiers: ClinVar variation 1775547 (VCV001775547.4), dbSNP rs1180288543, ClinGen allele CA410691314.

ClinVar aggregate classification (germline): Uncertain significance. Review status: criteria provided, multiple submitters, no conflicts (2 of 4 stars). 2 submissions from 2 submitters: Uncertain significance (2). Last evaluated 2024-03-20.

Conditions:
Cardiovascular phenotype. Identifiers: MedGen CN230736.
Primary dilated cardiomyopathy (DCM). Also called: Dilated Cardiomyopathy. Identifiers: Orphanet 217604, MedGen C0007193, MeSH D002311, MONDO:0005021, HP:0001644. Inheritance: Various modes of inheritance.

Allele frequency attached by ClinVar (database versions not stated): TOPMed 0.00002.

Submissions (2):

Labcorp Genetics (formerly Invitae), Labcorp
Classification: Uncertain significance for Primary dilated cardiomyopathy. Last evaluated: 2024-03-20. Review status: criteria provided, single submitter. Criteria: Invitae Variant Classification Sherloc (09022015). Collection method: clinical testing. Allele origin: germline.
Comment: This sequence change disrupts the translational stop signal of the TXNRD2 mRNA. It is expected to extend the length of the TXNRD2 protein by an unknown number of additional amino acid residues. This variant is not present in population databases (gnomAD no frequency). This variant has not been reported in the literature in individuals affected with TXNRD2-related conditions. ClinVar contains an entry for this variant (Variation ID: 1775547). Experimental studies and prediction algorithms are not available or were not evaluated, and the functional significance of this variant is currently unknown. In summary, the available evidence is currently insufficient to determine the role of this variant in disease. Therefore, it has been classified as a Variant of Uncertain Significance.

Ambry Genetics
Classification: Uncertain significance for Cardiovascular phenotype. Last evaluated: 2020-03-09. Review status: criteria provided, single submitter. Criteria: Ambry Variant Classification Scheme 2023. Collection method: clinical testing. Allele origin: germline.
Comment: The c.1573T>C variant (also known as p.*525Qext*?), located in coding exon 17 of the TXNRD2 gene, results from a T to C substitution at nucleotide position 1573. The stop codon at position 525 is replaced by glutamine, disrupting the stop codon and elongating the protein. Frameshifts are typically deleterious in nature; however, this frameshift occurs at the 3' terminus of TXNRD2, is not expected to trigger nonsense-mediated mRNA decay, and results in the elongation of the protein, the exact functional impact of which is unknown at this time. Since supporting evidence is limited at this time, the clinical significance of this alteration remains unclear.